The following is an entry in ClinVar:

ClinVar aggregate classification (germline): Benign/Likely benign. Review status: criteria provided, multiple submitters, no conflicts (2 of 4 stars). 10 submissions from 10 submitters: Benign (2); Likely benign (5). 3 of the submissions do not count toward it. Last evaluated 2026-09-01.

Conditions:
MET-related disorder. Also called: MET-related condition.
Renal cell carcinoma. Identifiers: Orphanet 217071, MedGen C0007134, MeSH D002292, MONDO:0005086, HP:0005584.
Hereditary cancer-predisposing syndrome. Also called: Neoplastic Syndromes, Hereditary; Tumor predisposition; Hereditary Cancer Syndrome; Hereditary neoplastic syndrome. Identifiers: Orphanet 140162, MedGen C0027672, MeSH D009386, MONDO:0015356.
Papillary renal cell carcinoma type 1 (RCCP1). Also called: RENAL CELL CARCINOMA, PAPILLARY, 1, SOMATIC; Renal adenocarcinoma; Renal cell carcinoma 1; Renal cell carcinoma, somatic. Identifiers: Orphanet 47044, MedGen C1336839, OMIM 605074, HP:0011797.

Allele frequency attached by ClinVar (database versions not stated): gnomAD exomes 0.00007 and 0.00016; ExAC 0.00020; ESP Exome Variant Server 0.00042; 1000 Genomes Project 0.00060; gnomAD 0.00068 and 0.00073; TOPMed 0.00077; 1000 Genomes Project 30x 0.00078.
gnomAD v4.1: 220 of 1,614,028 alleles (0.014%); highest among the groups gnomAD compares: African/African-American, 0.25%; 1 homozygote.

Submissions (10):

CeGaT Center for Human Genetics Tuebingen
Classification: Likely benign. Last evaluated: 2026-09-01. Review status: criteria provided, single submitter. Criteria: CeGaT Center For Human Genetics Tuebingen Variant Classification Criteria Version 2. Collection method: clinical testing. Allele origin: germline. Affected: yes. Observed: 2 variant alleles.
Comment: MET: BP4, BP7

Labcorp Genetics (formerly Invitae), Labcorp
Classification: Benign for Renal cell carcinoma. Last evaluated: 2026-02-04. Review status: criteria provided, single submitter. Criteria: Invitae Variant Classification Sherloc (09022015). Collection method: clinical testing. Allele origin: germline.

Myriad Genetics, Inc.
Classification: Benign for Papillary renal cell carcinoma type 1. Last evaluated: 2024-11-06. Review status: criteria provided, single submitter. Criteria: Myriad Autosomal Dominant, Autosomal Recessive and X-Linked Classification Criteria (2023). Collection method: clinical testing. Allele origin: unknown.
Comment: This variant is considered benign. This variant is a silent/synonymous amino acid change and it is not expected to impact splicing.

Blueprint Genetics
Classification: Likely benign. Last evaluated: 2022-01-10. Review status: criteria provided, single submitter. Criteria: ACMG Guidelines, 2015. Collection method: clinical testing. Allele origin: germline.

Sema4
Classification: Likely benign for Hereditary cancer-predisposing syndrome. Last evaluated: 2022-01-04. Review status: criteria provided, single submitter. Criteria: Sema4 Curation Guidelines. Collection method: curation. Allele origin: germline.

GeneDx
Classification: Likely benign. Last evaluated: 2020-10-23. Review status: criteria provided, single submitter. Criteria: GeneDx Variant Classification Process June 2021. Collection method: clinical testing. Allele origin: germline. Affected: yes.
Comment: This variant is associated with the following publications: (PMID: 26375439)

Ambry Genetics
Classification: Likely benign for Hereditary cancer-predisposing syndrome. Last evaluated: 2016-07-21. Review status: criteria provided, single submitter. Criteria: Ambry Variant Classification Scheme 2023. Collection method: clinical testing. Allele origin: germline.

PreventionGenetics, part of Exact Sciences
Classification: Likely benign for MET-related condition. Last evaluated: 2021-12-20. Review status: no assertion criteria provided. Collection method: clinical testing. Allele origin: germline. Not counted in ClinVar's aggregate classification.
Comment: This variant is classified as likely benign based on ACMG/AMP sequence variant interpretation guidelines (Richards et al. 2015 PMID: 25741868, with internal and published modifications).

Clinical Genetics DNA and cytogenetics Diagnostics Lab, Erasmus MC, Erasmus Medical Center
Classification: Likely benign. Review status: no assertion criteria provided. Collection method: clinical testing. Allele origin: germline. Affected: yes. Study: VKGL Data-share Consensus. Not counted in ClinVar's aggregate classification.

Clinical Genetics, Academic Medical Center
Classification: Likely benign. Review status: no assertion criteria provided. Collection method: clinical testing. Allele origin: germline. Affected: yes. Study: VKGL Data-share Consensus. Not counted in ClinVar's aggregate classification.

NM_000245.4(MET):c.798G>A (p.Arg266=)

Gene: MET (MET proto-oncogene, receptor tyrosine kinase; plus strand). Cytogenetic location: 7q31.2.
Variant type: single nucleotide variant.
Coding change: c.798G>A on transcript NM_000245.4 (MANE Select); coding-DNA position 798, G replaced by A.
Protein change: p.Arg266=; no amino-acid change (arginine 266 retained).
Molecular consequence: synonymous variant. On other transcripts: intron variant (1).
Genome position (GRCh38, 1-based): chr7:116,699,882, G>A. VCF-style: chr7-116699882-G-A. GRCh37 (hg19) VCF-style: chr7-116339936-G-A.
Other names: c.798G>A, p.Arg266= (NM_001127500.3, NM_001324401.3); c.-91+27305G>A (NM_001324402.2); c.798G>A (NM_001127500.2).
Identifiers: ClinVar variation 219395 (VCV000219395.28), dbSNP rs185301166, ClinGen allele CA348215.